The following is an entry in ClinVar:

ClinVar aggregate classification (germline): Uncertain significance (1 of 4 stars; one submission).

gnomAD v4.1: 3 of 1,614,098 alleles (0.00019%); highest among the groups gnomAD compares: Non-Finnish European, 0.00025%; no homozygotes.

Submission:

Labcorp Genetics (formerly Invitae), Labcorp
Classification: Uncertain significance. Last evaluated: 2025-10-06. Review status: criteria provided, single submitter. Criteria: Invitae Variant Classification Sherloc (09022015). Collection method: clinical testing. Allele origin: germline.
Comment: This sequence change replaces leucine, which is neutral and non-polar, with valine, which is neutral and non-polar, at codon 270 of the SLC18A2 protein (p.Leu270Val). This variant is not present in population databases (gnomAD no frequency). This variant has not been reported in the literature in individuals affected with SLC18A2-related conditions. ClinVar contains an entry for this variant (Variation ID: 1914601). An algorithm developed to predict the effect of missense changes on protein structure and function (PolyPhen-2) suggests that this variant is likely to be tolerated. In summary, the available evidence is currently insufficient to determine the role of this variant in disease. Therefore, it has been classified as a Variant of Uncertain Significance.

NM_003054.6(SLC18A2):c.808C>G (p.Leu270Val)

Gene: SLC18A2 (solute carrier family 18 member A2; plus strand). Cytogenetic location: 10q25.3.
Variant type: single nucleotide variant.
Coding change: c.808C>G on transcript NM_003054.6 (MANE Select); coding-DNA position 808, C replaced by G.
Protein change: p.Leu270Val; replaces leucine 270 with valine.
Molecular consequence: missense variant.
Genome position (GRCh38, 1-based): chr10:117,255,496, C>G. VCF-style: chr10-117255496-C-G. GRCh37 (hg19) VCF-style: chr10-119015007-C-G.
Other names: short protein forms L270V.
Identifiers: ClinVar variation 1914601 (VCV001914601.5), dbSNP rs2493541631, ClinGen allele CA378512501.